The following is an entry in ClinVar:

ClinVar aggregate classification (germline): Uncertain significance (1 of 4 stars; one submission).

Conditions:
Nephronophthisis. Also called: Juvenile Nephronophthisis. Identifiers: Orphanet 655, MedGen C0687120, MONDO:0019005, HP:0000090.

Allele frequency attached by ClinVar (database versions not stated): gnomAD 0.00001.
gnomAD v4.1: 1 of 1,614,052 alleles (0.000062%); highest among the groups gnomAD compares: African/African-American, 0.0013%; no homozygotes.

Submission:

Labcorp Genetics (formerly Invitae), Labcorp
Classification: Uncertain significance for Nephronophthisis. Last evaluated: 2024-02-24. Review status: criteria provided, single submitter. Criteria: Invitae Variant Classification Sherloc (09022015). Collection method: clinical testing. Allele origin: germline.
Comment: This sequence change replaces serine, which is neutral and polar, with phenylalanine, which is neutral and non-polar, at codon 868 of the INVS protein (p.Ser868Phe). This variant is not present in population databases (gnomAD no frequency). This variant has not been reported in the literature in individuals affected with INVS-related conditions. ClinVar contains an entry for this variant (Variation ID: 1377405). An algorithm developed to predict the effect of missense changes on protein structure and function (PolyPhen-2) suggests that this variant is likely to be tolerated. In summary, the available evidence is currently insufficient to determine the role of this variant in disease. Therefore, it has been classified as a Variant of Uncertain Significance.

NM_014425.5(INVS):c.2603C>T (p.Ser868Phe)

Gene: INVS (inversin; plus strand). Cytogenetic location: 9q31.1.
Variant type: single nucleotide variant.
Coding change: c.2603C>T on transcript NM_014425.5 (MANE Select); coding-DNA position 2603, C replaced by T.
Protein change: p.Ser868Phe; replaces serine 868 with phenylalanine.
Molecular consequence: missense variant. On other transcripts: non-coding transcript variant (1).
Genome position (GRCh38, 1-based): chr9:100,292,860, C>T. VCF-style: chr9-100292860-C-T. GRCh37 (hg19) VCF-style: chr9-103055142-C-T.
Other names: c.2315C>T, p.Ser772Phe (NM_001318381.2); c.1625C>T, p.Ser542Phe (NM_001318382.2); short protein forms S868F, S542F, S772F.
Identifiers: ClinVar variation 1377405 (VCV001377405.8), dbSNP rs1300344847, ClinGen allele CA374244107.